The following is an entry in ClinVar:

ClinVar aggregate classification (germline): Pathogenic. Review status: criteria provided, multiple submitters, no conflicts (2 of 4 stars). 2 submissions from 2 submitters: Pathogenic (2). Last evaluated 2025-02-25.

Conditions:
Idiopathic basal ganglia calcification 1 (PFBC1A). Also called: Familial Idiopathic Basal Ganglia Calcification 2; PRIMARY FAMILIAL BRAIN CALCIFICATION 1A, AUTOSOMAL DOMINANT; Fahr's syndrome; Cerebral calcification nonarteriosclerotic idiopathic adult-onset; Striopallidodentate calcinosis autosomal dominant adult-onset; Ferrocalcinosis, cerebrovascular. Identifiers: Orphanet 1980, MedGen C4551624, MONDO:0024538, OMIM 213600.

Submissions (2):

Women's Health and Genetics/Laboratory Corporation of America, LabCorp
Classification: Pathogenic for Idiopathic basal ganglia calcification 1. Last evaluated: 2025-02-25. Review status: criteria provided, single submitter. Criteria: LabCorp Variant Classification Summary - May 2015. Collection method: clinical testing. Allele origin: germline.
Comment: Variant summary: SLC20A2 c.1604G>A (p.Trp535X) results in a premature termination codon, predicted to cause a truncation of the encoded protein or absence of the protein due to nonsense mediated decay, which are commonly known mechanisms for disease. The variant was absent in 251248 control chromosomes. To our knowledge, no occurrence of c.1604G>A in individuals affected with Idiopathic Basal Ganglia Calcification 1 and no experimental evidence demonstrating its impact on protein function have been reported. ClinVar contains an entry for this variant (Variation ID: 489160). Based on the evidence outlined above, the variant was classified as pathogenic.

GeneDx
Classification: Pathogenic. Last evaluated: 2017-11-21. Review status: criteria provided, single submitter. Criteria: GeneDx Variant Classification (06012015). Collection method: clinical testing. Allele origin: germline. Affected: yes.
Comment: The W535X variant in the SLC20A2 gene has not been reported previously as a pathogenic variantnor as a benign variant, to our knowledge. This variant is predicted to cause loss of normal protein function either through protein truncation or nonsense-mediated mRNA decay. The W535X variant is not observed in large population cohorts (Lek et al., 2016). We interpret W535X as a pathogenic variant.

NM_001257180.2(SLC20A2):c.1604G>A (p.Trp535Ter)

Gene: SLC20A2 (solute carrier family 20 member 2; minus strand). Cytogenetic location: 8p11.21.
Variant type: single nucleotide variant.
Coding change: c.1604G>A on transcript NM_001257180.2 (MANE Select); coding-DNA position 1604, G replaced by A.
Protein change: p.Trp535Ter; replaces tryptophan 535 with a stop codon.
Molecular consequence: nonsense.
Genome position (GRCh38, 1-based): chr8:42,430,169, C>T on the plus strand (G>A on the coding strand, the complement: SLC20A2 is on the minus strand). VCF-style: chr8-42430169-C-T. GRCh37 (hg19) VCF-style: chr8-42287687-C-T.
Other names: c.1604G>A, p.Trp535Ter (NM_001257181.2, NM_006749.5); short protein forms W535*.
Identifiers: ClinVar variation 489160 (VCV000489160.3), dbSNP rs1554546830, ClinGen allele CA371096030.